The following is an entry in ClinVar:

ClinVar aggregate classification (germline): Conflicting classifications of pathogenicity. Review status: criteria provided, conflicting classifications (1 of 4 stars). 3 submissions from 3 submitters: Uncertain significance (2); Likely benign (1). Last evaluated 2025-09-23.

Conditions:
Hereditary cancer-predisposing syndrome. Also called: Tumor predisposition; Neoplastic Syndromes, Hereditary; Hereditary Cancer Syndrome; Hereditary neoplastic syndrome. Identifiers: Orphanet 140162, MedGen C0027672, MeSH D009386, MONDO:0015356.

Submissions (3):

Ambry Genetics
Classification: Likely benign for Hereditary cancer-predisposing syndrome. Last evaluated: 2025-09-23. Review status: criteria provided, single submitter. Criteria: Ambry Variant Classification Scheme 2023. Collection method: clinical testing. Allele origin: germline.

Labcorp Genetics (formerly Invitae), Labcorp
Classification: Uncertain significance. Last evaluated: 2025-08-07. Review status: criteria provided, single submitter. Criteria: Invitae Variant Classification Sherloc (09022015). Collection method: clinical testing. Allele origin: germline.
Comment: This sequence change replaces leucine, which is neutral and non-polar, with isoleucine, which is neutral and non-polar, at codon 1499 of the POLE protein (p.Leu1499Ile). This variant is not present in population databases (gnomAD no frequency). This variant has not been reported in the literature in individuals affected with POLE-related conditions. ClinVar contains an entry for this variant (Variation ID: 1312563). Invitae Evidence Modeling of protein sequence and biophysical properties (such as structural, functional, and spatial information, amino acid conservation, physicochemical variation, residue mobility, and thermodynamic stability) indicates that this missense variant is not expected to disrupt POLE protein function with a negative predictive value of 80%. In summary, the available evidence is currently insufficient to determine the role of this variant in disease. Therefore, it has been classified as a Variant of Uncertain Significance.

GeneDx
Classification: Uncertain significance. Last evaluated: 2020-03-03. Review status: criteria provided, single submitter. Criteria: GeneDx Variant Classification Process June 2021. Collection method: clinical testing. Allele origin: germline. Affected: yes.
Comment: Not observed in large population cohorts (Lek 2016); In silico analysis supports that this missense variant does not alter protein structure/function; Has not been previously published as pathogenic or benign to our knowledge

NM_006231.4(POLE):c.4495C>A (p.Leu1499Ile)

Gene: POLE (DNA polymerase epsilon, catalytic subunit; minus strand). Cytogenetic location: 12q24.33.
Variant type: single nucleotide variant.
Coding change: c.4495C>A on transcript NM_006231.4 (MANE Select); coding-DNA position 4495, C replaced by A.
Protein change: p.Leu1499Ile; replaces leucine 1499 with isoleucine.
Molecular consequence: missense variant.
Genome position (GRCh38, 1-based): chr12:132,643,280, G>T on the plus strand (C>A on the coding strand, the complement: POLE is on the minus strand). VCF-style: chr12-132643280-G-T. GRCh37 (hg19) VCF-style: chr12-133219866-G-T.
Other names: short protein forms L1499I.
Identifiers: ClinVar variation 1312563 (VCV001312563.9), dbSNP rs1555222907, ClinGen allele CA387380564.
Genomic context (GRCh38, chr12:132,643,280, plus strand): 5'-TCACAGTGTCCAGCACAAAGACGGATGCCCTGCGCTGTGAGGGGATGAAGATCCCGAAGA[G>T]CGCTTTGTGGGCCTGTGCGTGGTGGTACAGGTAGATATGGCGGATACTCCCTGGAGAAGG-3'
Protein context (NP_006222.2, residues 1489-1509): LYHHAQAHKA[Leu1499Ile]FGIFIPSQRR